The following is an entry in ClinVar:

NM_000059.4(BRCA2):c.8754+169A>G

Gene: BRCA2 (BRCA2 DNA repair associated; plus strand). Cytogenetic location: 13q13.1.
Variant type: single nucleotide variant.
Coding change: c.8754+169A>G on transcript NM_000059.4 (MANE Select); 169 bases into the intron after coding-DNA position 8754, A replaced by G.
Molecular consequence: intron variant.
Genome position (GRCh38, 1-based): chr13:32,376,960, A>G. VCF-style: chr13-32376960-A-G. GRCh37 (hg19) VCF-style: chr13-32951097-A-G.
Other names: IVS 21+169A>G.
Identifiers: ClinVar variation 209835 (VCV000209835.1), dbSNP rs55817734, ClinGen allele CA276803.

ClinVar aggregate classification (germline): Benign (3 of 4 stars; one submission).

Conditions:
Breast-ovarian cancer, familial, susceptibility to, 2 (BROVCA2). Also called: BRCA2 Hereditary Breast and Ovarian Cancer. Identifiers: Orphanet 145, MedGen C2675520, MONDO:0012933, OMIM 612555. Disease mechanism: loss of function.

Allele frequency attached by ClinVar (database versions not stated): gnomAD 0.00135 and 0.00150; TOPMed 0.00151; 1000 Genomes Project 0.00200; 1000 Genomes Project 30x 0.00219.
gnomAD v4.1: 205 of 152,312 alleles (0.13%); highest among the groups gnomAD compares: African/African-American, 0.46%; no homozygotes.

Submission:

Evidence-based Network for the Interpretation of Germline Mutant Alleles (ENIGMA)
Classification: Benign for Breast-ovarian cancer, familial 2. Last evaluated: 2015-01-12. Review status: reviewed by expert panel. Criteria: ENIGMA BRCA1/2 Classification Criteria (2015). Collection method: curation. Allele origin: germline.
Comment: Class 1 not pathogenic based on frequency >1% in an outbred sampleset. Frequency 0.01016 (African), derived from 1000 genomes (2012-04-30).